The following is an entry in ClinVar:

NM_001164508.2(NEB):c.4528G>A (p.Glu1510Lys)

Gene: NEB (nebulin; minus strand). Cytogenetic location: 2q23.3.
Variant type: single nucleotide variant.
Coding change: c.4528G>A on transcript NM_001164508.2 (MANE Select); coding-DNA position 4528, G replaced by A.
Protein change: p.Glu1510Lys; replaces glutamic acid 1510 with lysine.
Molecular consequence: missense variant.
Genome position (GRCh38, 1-based): chr2:151,669,110, C>T on the plus strand (G>A on the coding strand, the complement: NEB is on the minus strand). VCF-style: chr2-151669110-C-T. GRCh37 (hg19) VCF-style: chr2-152525624-C-T.
Other names: c.4528G>A, p.Glu1510Lys (NM_001164507.2, NM_001271208.2, NM_004543.5); short protein forms E1510K.
Identifiers: ClinVar variation 373508 (VCV000373508.3), dbSNP rs370064863, ClinGen allele CA1910592.

ClinVar aggregate classification (germline): Uncertain significance. Review status: criteria provided, multiple submitters, no conflicts (2 of 4 stars). 3 submissions from 3 submitters: Uncertain significance (2). 1 of the submissions does not count toward it. Last evaluated 2023-10-10.

Conditions:
Nemaline myopathy 2 (NEM2). Also called: Nemaline myopathy 2, autosomal recessive. Identifiers: MedGen C1850569, MONDO:0009725, OMIM 256030.

Allele frequency attached by ClinVar (database versions not stated): gnomAD exomes 0.00001; TOPMed 0.00001; gnomAD 0.00002; ExAC 0.00003; ESP Exome Variant Server 0.00008.
gnomAD v4.1: 19 of 1,582,978 alleles (0.0012%); highest among the groups gnomAD compares: South Asian, 0.0023%; no homozygotes.

Submissions (3):

Blueprint Genetics
Classification: Uncertain significance. Last evaluated: 2023-10-10. Review status: criteria provided, single submitter. Criteria: ACMG Guidelines, 2015. Collection method: clinical testing. Allele origin: germline.

GeneDx
Classification: Uncertain significance. Last evaluated: 2016-11-25. Review status: criteria provided, single submitter. Criteria: GeneDx Variant Classification (06012015). Collection method: clinical testing. Allele origin: germline. Affected: yes.
Comment: The E1510K variant has not been published as a pathogenic variant, nor has it been reported as a benign variant to our knowledge. The E1510K variant is not observed at a significant frequency in large population cohorts (Lek et al., 2016; 1000 Genomes Consortium et al., 2015; Exome Variant Server). This variant is a non-conservative amino acid substitution, which is likely to impact secondary protein structure as these residues differ in polarity, charge, size and/or other properties. This substitution occurs at a position that is conserved across species; however, missense variants in nearby residues have not been reported in the Human Gene Mutation Database in association with nemaline myopathy (Stenson et al., 2014). In silico analysis is inconsistent in its predictions as to whether or not the variant is damaging to the protein structure/function.

Natera, Inc.
Classification: Uncertain significance for Nemaline myopathy type 2. Last evaluated: 2020-08-14. Review status: no assertion criteria provided. Collection method: clinical testing. Allele origin: germline. Not counted in ClinVar's aggregate classification.